The following is an entry in ClinVar:

ClinVar aggregate classification (germline): Uncertain significance (1 of 4 stars; one submission).

Conditions:
Vitamin B2 deficiency. Identifiers: MedGen C0035528.

Submission:

Labcorp Genetics (formerly Invitae), Labcorp
Classification: Uncertain significance for Vitamin B2 deficiency. Last evaluated: 2021-02-14. Review status: criteria provided, single submitter. Criteria: Invitae Variant Classification Sherloc (09022015). Collection method: clinical testing. Allele origin: germline.
Comment: In summary, the available evidence is currently insufficient to determine the role of this variant in disease. Therefore, it has been classified as a Variant of Uncertain Significance. Algorithms developed to predict the effect of missense changes on protein structure and function (SIFT, PolyPhen-2, Align-GVGD) all suggest that this variant is likely to be tolerated, but these predictions have not been confirmed by published functional studies and their clinical significance is uncertain. This variant has not been reported in the literature in individuals with SLC52A1-related conditions. This variant is not present in population databases (ExAC no frequency). This sequence change replaces isoleucine with leucine at codon 30 of the SLC52A1 protein (p.Ile30Leu). The isoleucine residue is moderately conserved and there is a small physicochemical difference between isoleucine and leucine.

NM_017986.4(SLC52A1):c.88A>C (p.Ile30Leu)

Gene: SLC52A1 (solute carrier family 52 member 1; minus strand). Cytogenetic location: 17p13.2.
Variant type: single nucleotide variant.
Coding change: c.88A>C on transcript NM_017986.4 (MANE Select); coding-DNA position 88, A replaced by C.
Protein change: p.Ile30Leu; replaces isoleucine 30 with leucine.
Molecular consequence: missense variant.
Genome position (GRCh38, 1-based): chr17:5,034,519, T>G on the plus strand (A>C on the coding strand, the complement: SLC52A1 is on the minus strand). VCF-style: chr17-5034519-T-G. GRCh37 (hg19) VCF-style: chr17-4937814-T-G.
Other names: c.88A>C, p.Ile30Leu (NM_001104577.2); short protein forms I30L.
Identifiers: ClinVar variation 1472961 (VCV001472961.10), dbSNP rs2143436520, ClinGen allele CA397334036.